The following is an entry in ClinVar:

NM_025137.4(SPG11):c.2244+10G>T

Gene: SPG11 (SPG11 vesicle trafficking associated, spatacsin; minus strand). Cytogenetic location: 15q21.1.
Variant type: single nucleotide variant.
Coding change: c.2244+10G>T on transcript NM_025137.4 (MANE Select); 10 bases into the intron after coding-DNA position 2244, G replaced by T.
Molecular consequence: intron variant.
Genome position (GRCh38, 1-based): chr15:44,626,321, C>A on the plus strand (G>T on the coding strand, the complement: SPG11 is on the minus strand). VCF-style: chr15-44626321-C-A. GRCh37 (hg19) VCF-style: chr15-44918519-C-A.
Other names: c.2244+10G>T (NM_001160227.2).
Identifiers: ClinVar variation 700093 (VCV000700093.14), dbSNP rs144314414, ClinGen allele CA7535319.

ClinVar aggregate classification (germline): Likely benign. Review status: criteria provided, multiple submitters, no conflicts (2 of 4 stars). 4 submissions from 4 submitters: Likely benign (4). Last evaluated 2026-05-01.

Conditions:
SPG11-related disorder. Also called: SPG11-related condition.
Hereditary spastic paraplegia 11. Also called: Spastic paraplegia, mental retardation and thin corpus callosum; Spastic Paraplegia 11; SPASTIC PARAPLEGIA, AUTOSOMAL RECESSIVE, COMPLICATED, WITH THIN CORPUS CALLOSUM; SPASTIC PARAPLEGIA, AUTOSOMAL RECESSIVE, WITH MENTAL IMPAIRMENT AND THIN CORPUS CALLOSUM; Nakamura Osame syndrome; Autosomal recessive hereditary spastic paraplegia, mental impairment, and thin corpus callosum. Identifiers: Orphanet 2822, MedGen C1858479, MONDO:0011445, OMIM 604360.

Allele frequency attached by ClinVar (database versions not stated): TOPMed 0.00038; ESP Exome Variant Server 0.00039; 1000 Genomes Project 30x 0.00047; 1000 Genomes Project 0.00060.
gnomAD v4.1: 114 of 1,605,014 alleles (0.0071%); highest among the groups gnomAD compares: African/African-American, 0.14%; no homozygotes.

Submissions (4):

Women's Health and Genetics/Laboratory Corporation of America, LabCorp
Classification: Likely benign. Last evaluated: 2026-05-01. Review status: criteria provided, single submitter. Criteria: LabCorp Variant Classification Summary - May 2015. Collection method: clinical testing. Allele origin: germline.

Labcorp Genetics (formerly Invitae), Labcorp
Classification: Likely benign for Hereditary spastic paraplegia 11. Last evaluated: 2025-12-16. Review status: criteria provided, single submitter. Criteria: Invitae Variant Classification Sherloc (09022015). Collection method: clinical testing. Allele origin: germline.

Athena Diagnostics
Classification: Likely benign. Last evaluated: 2025-10-06. Review status: criteria provided, single submitter. Criteria: Athena Diagnostics Criteria. Collection method: clinical testing. Allele origin: unknown.
Comment: The frequency of this variant in the general population is higher than would generally be expected for pathogenic variants in this gene. Computational tools yielded predictions that this variant is unlikely to have an effect on normal RNA splicing. This nucleotide position exhibits low evolutionary conservation.

PreventionGenetics, part of Exact Sciences
Classification: Likely benign for SPG11-related condition. Last evaluated: 2025-02-24. Review status: criteria provided, single submitter. Criteria: ACMG Guidelines, 2015. Collection method: clinical testing. Allele origin: germline.
Comment: This variant is classified as likely benign based on ACMG/AMP sequence variant interpretation guidelines (Richards et al. 2015 PMID: 25741868, with internal and published modifications).